The following is an entry in ClinVar:

NM_014956.5(CEP164):c.3380G>T (p.Arg1127Leu)

Gene: CEP164 (centrosomal protein 164; plus strand). Cytogenetic location: 11q23.3.
Variant type: single nucleotide variant.
Coding change: c.3380G>T on transcript NM_014956.5 (MANE Select); coding-DNA position 3380, G replaced by T.
Protein change: p.Arg1127Leu; replaces arginine 1127 with leucine.
Molecular consequence: missense variant.
Genome position (GRCh38, 1-based): chr11:117,397,192, G>T. VCF-style: chr11-117397192-G-T. GRCh37 (hg19) VCF-style: chr11-117267908-G-T.
Other names: c.3389G>T, p.Arg1130Leu (NM_001271933.2); short protein forms R1127L, R1130L.
Identifiers: ClinVar variation 1487408 (VCV001487408.6), dbSNP rs753895198, ClinGen allele CA382735927.

ClinVar aggregate classification (germline): Uncertain significance (1 of 4 stars; one submission).

Conditions:
Nephronophthisis 15 (NPHP15). Identifiers: Orphanet 3156, MedGen C3541853, MONDO:0013917, OMIM 614845.

gnomAD v4.1: 2 of 1,614,200 alleles (0.00012%); highest among the groups gnomAD compares: South Asian, 0.0022%; no homozygotes.

Submission:

Labcorp Genetics (formerly Invitae), Labcorp
Classification: Uncertain significance for Nephronophthisis 15. Last evaluated: 2021-10-12. Review status: criteria provided, single submitter. Criteria: Invitae Variant Classification Sherloc (09022015). Collection method: clinical testing. Allele origin: germline.
Comment: In summary, the available evidence is currently insufficient to determine the role of this variant in disease. Therefore, it has been classified as a Variant of Uncertain Significance. Algorithms developed to predict the effect of missense changes on protein structure and function are either unavailable or do not agree on the potential impact of this missense change (SIFT: "Deleterious"; PolyPhen-2: "Probably Damaging"; Align-GVGD: "Class C0"). This variant has not been reported in the literature in individuals affected with CEP164-related conditions. This variant is not present in population databases (ExAC no frequency). This sequence change replaces arginine with leucine at codon 1127 of the CEP164 protein (p.Arg1127Leu). The arginine residue is highly conserved and there is a moderate physicochemical difference between arginine and leucine.